The following is an entry in ClinVar:

ClinVar aggregate classification (germline): Likely pathogenic (1 of 4 stars; one submission).

Submission:

Labcorp Genetics (formerly Invitae), Labcorp
Classification: Likely pathogenic. Last evaluated: 2024-02-24. Review status: criteria provided, single submitter. Criteria: Invitae Variant Classification Sherloc (09022015). Collection method: clinical testing. Allele origin: germline.
Comment: This sequence change affects a donor splice site in intron 4 of the SZT2 gene. It is expected to disrupt RNA splicing. Variants that disrupt the donor or acceptor splice site typically lead to a loss of protein function (PMID: 16199547), and loss-of-function variants in SZT2 are known to be pathogenic (PMID: 23932106, 27248490, 28556953). This variant is not present in population databases (gnomAD no frequency). This variant has not been reported in the literature in individuals affected with SZT2-related conditions. ClinVar contains an entry for this variant (Variation ID: 1066830). Algorithms developed to predict the effect of sequence changes on RNA splicing suggest that this variant may disrupt the consensus splice site. In summary, the currently available evidence indicates that the variant is pathogenic, but additional data are needed to prove that conclusively. Therefore, this variant has been classified as Likely Pathogenic.

Literature cited by the submitters: PubMed 16199547; PubMed 23932106; PubMed 27248490; PubMed 28556953.

NM_001365999.1(SZT2):c.498+1G>C

Gene: SZT2 (SZT2 subunit of KICSTOR complex; plus strand). Cytogenetic location: 1p34.2.
Variant type: single nucleotide variant.
Coding change: c.498+1G>C on transcript NM_001365999.1 (MANE Select); the canonical splice donor site of the intron after coding-DNA position 498, G replaced by C.
Molecular consequence: splice donor variant.
Genome position (GRCh38, 1-based): chr1:43,404,551, G>C. VCF-style: chr1-43404551-G-C. GRCh37 (hg19) VCF-style: chr1-43870222-G-C.
Other names: c.498+1G>C (NM_015284.4).
Identifiers: ClinVar variation 1066830 (VCV001066830.7), dbSNP rs766399416, ClinGen allele CA339998118.